The following is an entry in ClinVar:

ClinVar aggregate classification (germline): Uncertain significance (1 of 4 stars; one submission).

Conditions:
TP63-Related Spectrum Disorders.

Allele frequency attached by ClinVar (database versions not stated): gnomAD 0.00001.
gnomAD v4.1: 1 of 1,614,062 alleles (0.000062%); highest among the groups gnomAD compares: Admixed American, 0.0017%; no homozygotes.

Submission:

Labcorp Genetics (formerly Invitae), Labcorp
Classification: Uncertain significance. Last evaluated: 2022-09-16. Review status: criteria provided, single submitter. Criteria: Invitae Variant Classification Sherloc (09022015). Collection method: clinical testing. Allele origin: germline.
Comment: Algorithms developed to predict the effect of sequence changes on RNA splicing suggest that this variant may create or strengthen a splice site. In summary, the available evidence is currently insufficient to determine the role of this variant in disease. Therefore, it has been classified as a Variant of Uncertain Significance. This sequence change affects codon 215 of the TP63 mRNA. It is a 'silent' change, meaning that it does not change the encoded amino acid sequence of the TP63 protein. This variant is not present in population databases (gnomAD no frequency). This variant has not been reported in the literature in individuals affected with TP63-related conditions.

NM_003722.5(TP63):c.645G>A (p.Val215=)

Gene: TP63 (tumor protein p63; plus strand). Cytogenetic location: 3q28.
Variant type: single nucleotide variant.
Coding change: c.645G>A on transcript NM_003722.5 (MANE Select); coding-DNA position 645, G replaced by A.
Protein change: p.Val215=; no amino-acid change (valine 215 retained).
Molecular consequence: synonymous variant.
Genome position (GRCh38, 1-based): chr3:189,864,297, G>A. VCF-style: chr3-189864297-G-A. GRCh37 (hg19) VCF-style: chr3-189582086-G-A.
Other names: c.645G>A, p.Val215= (NM_001114978.2, NM_001114979.2, NM_001329144.2 and 1 more transcripts); c.363G>A, p.Val121= (NM_001114980.2, NM_001114981.2, NM_001114982.2 and 2 more transcripts); c.108G>A, p.Val36= (NM_001329146.2, NM_001329150.2); c.639G>A, p.Val213= (NM_001329964.2).
Identifiers: ClinVar variation 2064824 (VCV002064824.3), dbSNP rs1717416072, ClinGen allele CA437412887.